The following is an entry in ClinVar:

ClinVar aggregate classification (germline): Uncertain significance (1 of 4 stars; one submission).

Allele frequency attached by ClinVar (database versions not stated): ExAC 0.00005.
gnomAD v4.1: 25 of 1,551,356 alleles (0.0016%); highest among the groups gnomAD compares: African/African-American, 0.022%; no homozygotes.

Submission:

GeneDx
Classification: Uncertain significance. Last evaluated: 2022-02-10. Review status: criteria provided, single submitter. Criteria: GeneDx Variant Classification Process June 2021. Collection method: clinical testing. Allele origin: germline. Affected: yes.
Comment: In silico analysis supports that this missense variant does not alter protein structure/function; Has not been previously published as pathogenic or benign to our knowledge

NM_001384474.1(LOXHD1):c.1951G>A (p.Val651Met)

Gene: LOXHD1 (lipoxygenase homology PLAT domains 1; minus strand). Cytogenetic location: 18q21.1.
Variant type: single nucleotide variant.
Coding change: c.1951G>A on transcript NM_001384474.1 (MANE Select); coding-DNA position 1951, G replaced by A.
Protein change: p.Val651Met; replaces valine 651 with methionine.
Molecular consequence: missense variant.
Genome position (GRCh38, 1-based): chr18:46,577,726, C>T on the plus strand (G>A on the coding strand, the complement: LOXHD1 is on the minus strand). VCF-style: chr18-46577726-C-T. GRCh37 (hg19) VCF-style: chr18-44157689-C-T.
Other names: c.1951G>A, p.Val651Met (NM_144612.7); short protein forms V651M.
Identifiers: ClinVar variation 1702589 (VCV001702589.2), dbSNP rs769377709, ClinGen allele CA8952734.